The following is an entry in ClinVar:

NM_001267550.2(TTN):c.50870T>C (p.Ile16957Thr)

Genes: TTN (titin; minus strand), TTN-AS1 (TTN antisense RNA 1; plus strand). Cytogenetic location: 2q31.2.
Variant type: single nucleotide variant.
Coding change: c.50870T>C on transcript NM_001267550.2 (MANE Select); coding-DNA position 50870, T replaced by C.
Protein change: p.Ile16957Thr; replaces isoleucine 16957 with threonine.
Molecular consequence: missense variant.
Genome position (GRCh38, 1-based): chr2:178,611,259, A>G on the plus strand (T>C on the coding strand, the complement: TTN is on the minus strand). VCF-style: chr2-178611259-A-G. GRCh37 (hg19) VCF-style: chr2-179475986-A-G.
Other names: c.45947T>C, p.Ile15316Thr (NM_001256850.1); c.23675T>C, p.Ile7892Thr (NM_003319.4); c.43166T>C, p.Ile14389Thr (NM_133378.4); c.24050T>C, p.Ile8017Thr (NM_133432.3); c.24251T>C, p.Ile8084Thr (NM_133437.4); short protein forms I15316T, I8084T, I14389T, I16957T, I7892T, I8017T.
Identifiers: ClinVar variation 680417 (VCV000680417.2), dbSNP rs368450275, ClinGen allele CA1994283.

ClinVar aggregate classification (germline): Likely benign. Review status: criteria provided, multiple submitters, no conflicts (2 of 4 stars). 2 submissions from 2 submitters: Likely benign (2). Last evaluated 2018-07-16.

Allele frequency attached by ClinVar (database versions not stated): gnomAD 0.00001; gnomAD exomes 0.00001; TOPMed 0.00001; ESP Exome Variant Server 0.00008.
gnomAD v4.1: 16 of 1,612,106 alleles (0.00099%); highest among the groups gnomAD compares: East Asian, 0.0022%; no homozygotes.

Submissions (2):

Blueprint Genetics
Classification: Likely benign. Last evaluated: 2018-07-16. Review status: criteria provided, single submitter. Criteria: ACMG Guidelines, 2015. Collection method: clinical testing. Allele origin: germline.

GeneDx
Classification: Likely benign. Last evaluated: 2018-03-15. Review status: criteria provided, single submitter. Criteria: GeneDx Variant Classification (06012015). Collection method: clinical testing. Allele origin: germline. Affected: yes.
Comment: This variant is considered likely benign or benign based on one or more of the following criteria: it is a conservative change, it occurs at a poorly conserved position in the protein, it is predicted to be benign by multiple in silico algorithms, and/or has population frequency not consistent with disease.